The following is an entry in ClinVar:

NM_000540.3(RYR1):c.11591-5C>G

Gene: RYR1 (ryanodine receptor 1; plus strand). Cytogenetic location: 19q13.2.
Variant type: single nucleotide variant.
Coding change: c.11591-5C>G on transcript NM_000540.3 (MANE Select); 5 bases into the intron before coding-DNA position 11591, C replaced by G.
Molecular consequence: intron variant.
Genome position (GRCh38, 1-based): chr19:38,536,745, C>G. VCF-style: chr19-38536745-C-G. GRCh37 (hg19) VCF-style: chr19-39027385-C-G.
Other names: c.11576-5C>G (NM_001042723.2).
Identifiers: ClinVar variation 2775777 (VCV002775777.4), dbSNP rs1041327076, ClinGen allele CA2739276721.

ClinVar aggregate classification (germline): Conflicting classifications of pathogenicity. Review status: criteria provided, conflicting classifications (1 of 4 stars). 2 submissions from 2 submitters: Uncertain significance (1); Likely benign (1). Last evaluated 2023-06-26.

Conditions:
RYR1-related disorder. Also called: RYR1-related condition; RYR1-related disorders. Identifiers: MedGen CN239331.
Malignant hyperthermia, susceptibility to, 1 (MHS1). Also called: Malignant hyperthermia suceptibility 1; Anesthesia related hyperthermia; Malignant hyperpyrexia; Fulminating hyperpyrexia; Pharmacogenic myopathy; RYR1-Related Malignant Hyperthermia Susceptibility. Identifiers: Orphanet 423, MedGen C2930980, MONDO:0007783, OMIM 145600.

Submissions (2):

All of Us Research Program, National Institutes of Health
Classification: Uncertain significance for Malignant hyperthermia, susceptibility to, 1. Last evaluated: 2023-06-26. Review status: criteria provided, single submitter. Criteria: ACMG Guidelines, 2015. Collection method: clinical testing. Allele origin: germline. Inheritance: Autosomal dominant inheritance. Observed: 1 variant allele, 1 heterozygote.
Comment: This variant causes a C to G nucleotide substitution at the -5 position of intron 82 of the RYR1 gene. To our knowledge, functional studies have not been reported for this variant. This variant has not been reported in individuals affected with RYR1-related disorders in the literature. This variant has not been identified in the general population by the Genome Aggregation Database (gnomAD). The available evidence is insufficient to determine the role of this variant in disease conclusively. Therefore, this variant is classified as a Variant of Uncertain Significance.

This study involves interpretation of variants in research participants for the purpose of population health screening. Participant phenotype was not available at the time of variant classification. Additional details can be found in publication PMID: 35346344, PMCID: PMC8962531

Labcorp Genetics (formerly Invitae), Labcorp
Classification: Likely benign for RYR1-related disorder. Last evaluated: 2023-03-21. Review status: criteria provided, single submitter. Criteria: Invitae Variant Classification Sherloc (09022015). Collection method: clinical testing. Allele origin: germline.